The following is an entry in ClinVar:

NM_001267550.2(TTN):c.94182_94183insAGCAGCT (p.Leu31395fs)

Genes: TTN-AS1 (TTN antisense RNA 1; plus strand), TTN (titin; minus strand). Cytogenetic location: 2q31.2.
Variant type: Insertion.
Coding change: c.94182_94183insAGCAGCT on transcript NM_001267550.2 (MANE Select); coding-DNA positions 94182 to 94183, AGCAGCT inserted.
Protein change: p.Leu31395fs; shifts the reading frame from leucine 31395.
Molecular consequence: frameshift variant.
Genome position: GRCh38 VCF-style: chr2-178547443-G-GAGCTGCT. GRCh37 (hg19) VCF-style: chr2-179412170-G-GAGCTGCT.
Other names: c.89259_89260insAGCAGCT, p.Leu29754fs (NM_001256850.1); c.66987_66988insAGCAGCT, p.Leu22330fs (NM_003319.4); c.86478_86479insAGCAGCT, p.Leu28827fs (NM_133378.4); c.67362_67363insAGCAGCT, p.Leu22455fs (NM_133432.3); c.67563_67564insAGCAGCT, p.Leu22522fs (NM_133437.4); short protein forms L22330fs, L22522fs, L22455fs, L28827fs, L29754fs, L31395fs.
Identifiers: ClinVar variation 466668 (VCV000466668.9), dbSNP rs1219954334, ClinGen allele CA658657135.

ClinVar aggregate classification (germline): Pathogenic/Likely pathogenic. Review status: criteria provided, multiple submitters, no conflicts (2 of 4 stars). 3 submissions from 2 submitters: Pathogenic (1); Likely pathogenic (2). Last evaluated 2026-01-16.

Conditions:
Dilated cardiomyopathy 1G (CMD1G). Identifiers: Orphanet 154, MedGen C1858763, MONDO:0011400, OMIM 604145.
Autosomal recessive limb-girdle muscular dystrophy type 2J (LGMDR10). Also called: MUSCULAR DYSTROPHY, LIMB-GIRDLE, AUTOSOMAL RECESSIVE 10; Limb-girdle muscular dystrophy, type 2J. Identifiers: Orphanet 140922, MedGen C1837342, MONDO:0012127, OMIM 608807.

Submissions (3):

Labcorp Genetics (formerly Invitae), Labcorp
Classification: Pathogenic for Dilated cardiomyopathy 1G; Autosomal recessive limb-girdle muscular dystrophy type 2J. Last evaluated: 2026-01-16. Review status: criteria provided, single submitter. Criteria: Invitae Variant Classification Sherloc (09022015). Collection method: clinical testing. Allele origin: germline.
Comment: This sequence change creates a premature translational stop signal (p.Leu31395Serfs*11) in the TTN gene. While this is not anticipated to result in nonsense mediated decay, it is expected to create a truncated TTN protein. This variant is not present in population databases (gnomAD no frequency). This premature translational stop signal has been observed in individuals with dilated cardiomyopathy (internal data). ClinVar contains an entry for this variant (Variation ID: 466668). This variant is located in the A band of TTN (PMID: 25589632). Truncating variants in this region are significantly overrepresented in patients affected with dilated cardiomyopathy (PMID: 25589632). Truncating variants in this region have also been reported in individuals affected with autosomal recessive centronuclear myopathy (PMID: 23975875). For these reasons, this variant has been classified as Pathogenic.

Stanford Center for Inherited Cardiovascular Disease, Stanford University
Classification: Likely pathogenic. Last evaluated: 2017-11-10. Review status: criteria provided, single submitter. Criteria: ACMG Guidelines, 2015. Collection method: provider interpretation. Allele origin: germline.

Labcorp Genetics (formerly Invitae), Labcorp
Classification: Likely pathogenic for Dilated cardiomyopathy 1G. Last evaluated: 2017-06-05. Review status: criteria provided, single submitter. Criteria: Invitae Variant Classification Sherloc (09022015). Collection method: clinical testing. Allele origin: germline.
Comment: This sequence change results in a premature translational stop signal in the TTN (p.Leu31395Serfs*11). It is expected to result in a disrupted protein product. This variant is found in the A-band of this gene. While this particular variant has not been reported in the literature, truncating variants in the A-band of TTN are significantly overrepresented in patients with dilated cardiomyopathy and are considered to be likely pathogenic for the disease (PMID: 25589632). For these reasons, this variant has been classified as Likely Pathogenic.

Literature cited by the submitters: PubMed 25589632 (cited by Labcorp Genetics (formerly Invitae), Labcorp); PubMed 23975875 (cited by Labcorp Genetics (formerly Invitae), Labcorp).